The following is an entry in ClinVar:

ClinVar aggregate classification (germline): Uncertain significance (1 of 4 stars; one submission).

Conditions:
Autosomal recessive distal spinal muscular atrophy 1. Also called: HMN VI; NEURONOPATHY, SEVERE INFANTILE AXONAL, WITH RESPIRATORY FAILURE; Spinal muscular atrophy with respiratory distress 1; SEVERE INFANTILE AXONAL NEUROPATHY WITH RESPIRATORY FAILURE; SPINAL MUSCULAR ATROPHY, DIAPHRAGMATIC; NEURONOPATHY, DISTAL HEREDITARY MOTOR, HARDING TYPE VI. Identifiers: Orphanet 98920, MedGen C1858517, MONDO:0011436, OMIM 604320.
Charcot-Marie-Tooth disease axonal type 2S. Also called: CHARCOT-MARIE-TOOTH NEUROPATHY, TYPE 2S; CHARCOT-MARIE-TOOTH DISEASE, AXONAL, AUTOSOMAL RECESSIVE, TYPE 2S. Identifiers: Orphanet 443073, MedGen C4015349, MONDO:0014511, OMIM 616155.

Allele frequency attached by ClinVar (database versions not stated): gnomAD 0.00001; gnomAD exomes 0.00001 and 0.00002; TOPMed 0.00001.
gnomAD v4.1: 35 of 1,613,826 alleles (0.0022%); highest among the groups gnomAD compares: Non-Finnish European, 0.003%; no homozygotes.

Submission:

Labcorp Genetics (formerly Invitae), Labcorp
Classification: Uncertain significance for Autosomal recessive distal spinal muscular atrophy 1; Charcot-Marie-Tooth disease axonal type 2S. Last evaluated: 2025-07-14. Review status: criteria provided, single submitter. Criteria: Invitae Variant Classification Sherloc (09022015). Collection method: clinical testing. Allele origin: germline.
Comment: This sequence change replaces alanine, which is neutral and non-polar, with valine, which is neutral and non-polar, at codon 117 of the IGHMBP2 protein (p.Ala117Val). This variant is present in population databases (no rsID available, gnomAD 0.002%). This variant has not been reported in the literature in individuals affected with IGHMBP2-related conditions. ClinVar contains an entry for this variant (Variation ID: 653840). Invitae Evidence Modeling of protein sequence and biophysical properties (such as structural, functional, and spatial information, amino acid conservation, physicochemical variation, residue mobility, and thermodynamic stability) has been performed for this missense variant. However, the output from this modeling did not meet the statistical confidence thresholds required to predict the impact of this variant on IGHMBP2 protein function. In summary, the available evidence is currently insufficient to determine the role of this variant in disease. Therefore, it has been classified as a Variant of Uncertain Significance.

NM_002180.3(IGHMBP2):c.350C>T (p.Ala117Val)

Gene: IGHMBP2 (immunoglobulin mu DNA binding protein 2; plus strand). Cytogenetic location: 11q13.3.
Variant type: single nucleotide variant.
Coding change: c.350C>T on transcript NM_002180.3 (MANE Select); coding-DNA position 350, C replaced by T.
Protein change: p.Ala117Val; replaces alanine 117 with valine.
Molecular consequence: missense variant.
Genome position (GRCh38, 1-based): chr11:68,908,238, C>T. VCF-style: chr11-68908238-C-T. GRCh37 (hg19) VCF-style: chr11-68675706-C-T.
Other names: short protein forms A117V.
Identifiers: ClinVar variation 653840 (VCV000653840.9), dbSNP rs1034569953, ClinGen allele CA223385620.